The following is an entry in ClinVar:

NM_000274.4(OAT):c.200-36_222del

Gene: OAT (ornithine aminotransferase; minus strand). Cytogenetic location: 10q26.13.
Variant type: Deletion.
Coding change: c.200-36_222del on transcript NM_000274.4 (MANE Select); 36 bases into the intron before coding-DNA position 200 through coding-DNA position 222, 59 bases deleted.
Molecular consequence: splice acceptor variant. On other transcripts: intron variant (1).
Genome position (GRCh38, 1-based): chr10:124,408,943-124,409,001, 59 bases deleted. GRCh37 (hg19): chr10:126,097,514-126,097,572.
Other names: c.200-36_222del (NM_001322965.2, NM_001322969.2, NM_001322966.2 and 3 more transcripts); c.-215-36_-193del (NM_001171814.2); c.-515-36_-493del (NM_001322974.2); c.199+2972_199+3030del (NM_001322971.2); c.200-36_222delTTGTCTAAAATTATTTTCCTTTCTTATGTATTTTAGGTATTTACTTATGGGATGTAGAA (NM_000274.3).
Identifiers: ClinVar variation 571759 (VCV000571759.8), dbSNP rs1564737136, ClinGen allele CA5733573.

ClinVar aggregate classification (germline): Pathogenic (1 of 4 stars; one submission).

Conditions:
Ornithine aminotransferase deficiency (GACR). Also called: HYPERORNITHINEMIA WITH GYRATE ATROPHY OF CHOROID AND RETINA; OAT DEFICIENCY; OKT DEFICIENCY; Ornithine ketoacid aminotransferase deficiency; Gyrate atrophy; Gyrate atrophy of choroid and retina. Identifiers: Orphanet 414, MedGen C0018425, MONDO:0009796, OMIM 258870.

Submission:

Labcorp Genetics (formerly Invitae), Labcorp
Classification: Pathogenic for Ornithine aminotransferase deficiency. Last evaluated: 2025-07-31. Review status: criteria provided, single submitter. Criteria: Invitae Variant Classification Sherloc (09022015). Collection method: clinical testing. Allele origin: germline.
Comment: This variant results in the deletion of part of exon 3 (c.200-36_222del) of the OAT gene. It is expected to disrupt RNA splicing. Variants that disrupt the donor or acceptor splice site typically lead to a loss of protein function (PMID: 16199547), and loss-of-function variants in OAT are known to be pathogenic (PMID: 1737786, 23076989). This variant is present in population databases (no rsID available, gnomAD 0.01%). This variant has been observed in individual(s) with gyrate atrophy (internal data). ClinVar contains an entry for this variant (Variation ID: 571759). For these reasons, this variant has been classified as Pathogenic.

Literature cited by the submitters: PubMed 16199547; PubMed 1737786; PubMed 23076989.